The following is an entry in ClinVar:

ClinVar aggregate classification (germline): Benign/Likely benign. Review status: criteria provided, multiple submitters, no conflicts (2 of 4 stars). 2 submissions from 2 submitters: Benign (1); Likely benign (1). Last evaluated 2025-07-08.

Conditions:
Lynch syndrome 4 (LYNCH4). Also called: Colorectal cancer, hereditary nonpolyposis, type 4; Hereditary non-polyposis colorectal cancer, type 4. Identifiers: Orphanet 144, MedGen C1838333, MONDO:0013699, OMIM 614337. Disease mechanism: loss of function.

Submissions (2):

Women's Health and Genetics/Laboratory Corporation of America, LabCorp
Classification: Likely benign. Last evaluated: 2025-07-08. Review status: criteria provided, single submitter. Criteria: LabCorp Variant Classification Summary - May 2015. Collection method: clinical testing. Allele origin: germline.
Comment: Variant summary: PMS2 c.1740A>G alters a non-conserved nucleotide resulting in a synonymous change. Consensus agreement among computation tools predict no significant impact on normal splicing. However, these predictions have yet to be confirmed by functional studies. The variant was absent in 251348 control chromosomes. The available data on variant occurrences in the general population are insufficient to allow any conclusion about variant significance. To our knowledge, no occurrence of c.1740A>G in individuals affected with Lynch Syndrome and no experimental evidence demonstrating its impact on protein function have been reported. The following publication has been ascertained in the context of this evaluation (PMID: 38851388). ClinVar contains an entry for this variant (Variation ID: 3903470). Based on the evidence outlined above, the variant was classified as likely benign.

Myriad Genetics, Inc.
Classification: Benign for Lynch syndrome 4. Last evaluated: 2025-01-31. Review status: criteria provided, single submitter. Criteria: Myriad Autosomal Dominant, Autosomal Recessive and X-Linked Classification Criteria (2023). Collection method: clinical testing. Allele origin: unknown.
Comment: This variant is considered benign. This variant is a silent/synonymous amino acid change and it is not expected to impact splicing.

Literature cited by the submitters: PubMed 38851388 (cited by Women's Health and Genetics/Laboratory Corporation of America, LabCorp).

NM_000535.7(PMS2):c.1740A>G (p.Lys580=)

Gene: PMS2 (PMS1 homolog 2, mismatch repair system component; minus strand). Cytogenetic location: 7p22.1.
Variant type: single nucleotide variant.
Coding change: c.1740A>G on transcript NM_000535.7 (MANE Select); coding-DNA position 1740, A replaced by G.
Protein change: p.Lys580=; no amino-acid change (lysine 580 retained).
Molecular consequence: synonymous variant. On other transcripts: non-coding transcript variant (1), intron variant (1).
Genome position (GRCh38, 1-based): chr7:5,987,025, T>C on the plus strand (A>G on the coding strand, the complement: PMS2 is on the minus strand). VCF-style: chr7-5987025-T-C. GRCh37 (hg19) VCF-style: chr7-6026656-T-C.
Other names: c.1335A>G, p.Lys445= (NM_001322003.2, NM_001322004.2, NM_001322005.2 and 16 more transcripts); c.1584A>G, p.Lys528= (NM_001322006.2, NM_001406870.1); c.1422A>G, p.Lys474= (NM_001322007.2, NM_001322008.2, NM_001406876.1 and 2 more transcripts); c.1179A>G, p.Lys393= (NM_001322010.2, NM_001406906.1, NM_001406907.1); c.807A>G, p.Lys269= (NM_001322011.2, NM_001322012.2); c.1167A>G, p.Lys389= (NM_001322013.2, NM_001406909.1); c.1740A>G, p.Lys580= (NM_001322014.2, NM_001406871.1, NM_001406872.1); c.1431A>G, p.Lys477= (NM_001322015.2, NM_001406875.1, NM_001406877.1 and 5 more transcripts); and 13 more.
Identifiers: ClinVar variation 3903470 (VCV003903470.2).